The following is an entry in ClinVar:

NM_032776.3(JMJD1C):c.4378A>G (p.Ser1460Gly)

Gene: JMJD1C (jumonji domain containing 1C; minus strand). Cytogenetic location: 10q21.3.
Variant type: single nucleotide variant.
Coding change: c.4378A>G on transcript NM_032776.3 (MANE Select); coding-DNA position 4378, A replaced by G.
Protein change: p.Ser1460Gly; replaces serine 1460 with glycine.
Molecular consequence: missense variant. On other transcripts: non-coding transcript variant (1).
Genome position (GRCh38, 1-based): chr10:63,207,291, T>C on the plus strand (A>G on the coding strand, the complement: JMJD1C is on the minus strand). VCF-style: chr10-63207291-T-C. GRCh37 (hg19) VCF-style: chr10-64967051-T-C.
Other names: c.3832A>G, p.Ser1278Gly (NM_001282948.2, NM_001318154.2); c.3514A>G, p.Ser1172Gly (NM_001318153.2); c.4264A>G, p.Ser1422Gly (NM_001322252.2); c.3721A>G, p.Ser1241Gly (NM_001322254.2, NM_001322258.2); short protein forms S1278G, S1241G, S1172G, S1422G, S1460G.
Identifiers: ClinVar variation 656242 (VCV000656242.10), dbSNP rs1381439092, ClinGen allele CA377037758.

ClinVar aggregate classification (germline): Uncertain significance (1 of 4 stars; one submission).

Conditions:
Early Myoclonic Encephalopathy. Identifiers: MedGen C0270855.

Allele frequency attached by ClinVar (database versions not stated): gnomAD exomes 0.00001 and below 0.00001; gnomAD 0.00001; TOPMed 0.00001.
gnomAD v4.1: 9 of 1,613,716 alleles (0.00056%); highest among the groups gnomAD compares: Non-Finnish European, 0.00076%; no homozygotes.

Submission:

Labcorp Genetics (formerly Invitae), Labcorp
Classification: Uncertain significance for Early Myoclonic Encephalopathy. Last evaluated: 2022-08-24. Review status: criteria provided, single submitter. Criteria: Invitae Variant Classification Sherloc (09022015). Collection method: clinical testing. Allele origin: germline.
Comment: This variant is present in population databases (no rsID available, gnomAD 0.002%). This variant has not been reported in the literature in individuals affected with JMJD1C-related conditions. ClinVar contains an entry for this variant (Variation ID: 656242). Algorithms developed to predict the effect of missense changes on protein structure and function (SIFT, PolyPhen-2, Align-GVGD) all suggest that this variant is likely to be tolerated. In summary, the available evidence is currently insufficient to determine the role of this variant in disease. Therefore, it has been classified as a Variant of Uncertain Significance. This sequence change replaces serine, which is neutral and polar, with glycine, which is neutral and non-polar, at codon 1460 of the JMJD1C protein (p.Ser1460Gly).